The following is an entry in ClinVar:

NM_005751.5(AKAP9):c.1957G>T (p.Glu653Ter)

Gene: AKAP9 (A-kinase anchoring protein 9; plus strand). Cytogenetic location: 7q21.2.
Variant type: single nucleotide variant.
Coding change: c.1957G>T on transcript NM_005751.5 (MANE Select); coding-DNA position 1957, G replaced by T.
Protein change: p.Glu653Ter; replaces glutamic acid 653 with a stop codon.
Molecular consequence: nonsense.
Genome position (GRCh38, 1-based): chr7:92,001,874, G>T. VCF-style: chr7-92001874-G-T. GRCh37 (hg19) VCF-style: chr7-91631188-G-T.
Other names: c.1957G>T, p.Glu653Ter (NM_147185.3); short protein forms E653*.
Identifiers: ClinVar variation 2699681 (VCV002699681.3), dbSNP rs2484691867, ClinGen allele CA368122979.

ClinVar aggregate classification (germline): Uncertain significance (1 of 4 stars; one submission).

Conditions:
Long QT syndrome (LQTS). Identifiers: MedGen C0023976, MeSH D008133, MONDO:0002442. Disease mechanism: loss of function. Inheritance: Various modes of inheritance.

Submission:

Labcorp Genetics (formerly Invitae), Labcorp
Classification: Uncertain significance for Long QT syndrome. Last evaluated: 2023-11-29. Review status: criteria provided, single submitter. Criteria: Invitae Variant Classification Sherloc (09022015). Collection method: clinical testing. Allele origin: germline.
Comment: This sequence change creates a premature translational stop signal (p.Glu653*) in the AKAP9 gene. It is expected to result in an absent or disrupted protein product. However, the current clinical and genetic evidence is not sufficient to establish whether loss-of-function variants in AKAP9 cause disease. This variant is not present in population databases (gnomAD no frequency). This variant has not been reported in the literature in individuals affected with AKAP9-related conditions. In summary, the available evidence is currently insufficient to determine the role of this variant in disease. Therefore, it has been classified as a Variant of Uncertain Significance.